The following is an entry in ClinVar:

ClinVar aggregate classification (germline): Uncertain significance. Review status: criteria provided, multiple submitters, no conflicts (2 of 4 stars). 2 submissions from 2 submitters: Uncertain significance (2). Last evaluated 2025-07-15.

Conditions:
LEPR-related disorder. Also called: LEPR-related disorders; LEPR-related condition.
Inborn genetic diseases. Identifiers: MedGen C0950123, MeSH D030342.

gnomAD v4.1: 9 of 1,613,422 alleles (0.00056%); highest among the groups gnomAD compares: Non-Finnish European, 0.00076%; no homozygotes.

Submissions (2):

Ambry Genetics
Classification: Uncertain significance for Inborn genetic diseases. Last evaluated: 2025-07-15. Review status: criteria provided, single submitter. Criteria: Ambry Variant Classification Scheme 2023. Collection method: clinical testing. Allele origin: germline.

PreventionGenetics, part of Exact Sciences
Classification: Uncertain significance for LEPR-related condition. Last evaluated: 2025-01-29. Review status: criteria provided, single submitter. Criteria: ACMG Guidelines, 2015. Collection method: clinical testing. Allele origin: germline.
Comment: The LEPR c.2554T>G variant is predicted to result in the amino acid substitution p.Ser852Ala. To our knowledge, this variant has not been reported in the literature. This variant is reported in 0.0018% of alleles in individuals of European (Non-Finnish) descent in gnomAD. At this time, the clinical significance of this variant is uncertain due to the absence of conclusive functional and genetic evidence.

NM_002303.6(LEPR):c.2554T>G (p.Ser852Ala)

Gene: LEPR (leptin receptor; plus strand). Cytogenetic location: 1p31.3.
Variant type: single nucleotide variant.
Coding change: c.2554T>G on transcript NM_002303.6 (MANE Select); coding-DNA position 2554, T replaced by G.
Protein change: p.Ser852Ala; replaces serine 852 with alanine.
Molecular consequence: missense variant.
Genome position (GRCh38, 1-based): chr1:65,621,415, T>G. VCF-style: chr1-65621415-T-G. GRCh37 (hg19) VCF-style: chr1-66087098-T-G.
Other names: c.2554T>G, p.Ser852Ala (NM_001003679.3, NM_001003680.3, NM_001198687.2 and 2 more transcripts); short protein forms S852A.
Identifiers: ClinVar variation 4097333 (VCV004097333.2).